The following is an entry in ClinVar:

NM_001605.3(AARS1):c.2521-5T>G

Gene: AARS1 (alanyl-tRNA synthetase 1; minus strand). Cytogenetic location: 16q22.1.
Variant type: single nucleotide variant.
Coding change: c.2521-5T>G on transcript NM_001605.3 (MANE Select); 5 bases into the intron before coding-DNA position 2521, T replaced by G.
Molecular consequence: intron variant.
Genome position (GRCh38, 1-based): chr16:70,253,805, A>C on the plus strand (T>G on the coding strand, the complement: AARS1 is on the minus strand). VCF-style: chr16-70253805-A-C. GRCh37 (hg19) VCF-style: chr16-70287708-A-C.
Identifiers: ClinVar variation 507511 (VCV000507511.13), dbSNP rs1555539335, ClinGen allele CA658798633.

ClinVar aggregate classification (germline): Conflicting classifications of pathogenicity. Review status: criteria provided, conflicting classifications (1 of 4 stars). 4 submissions from 4 submitters: Uncertain significance (2); Likely benign (2). Last evaluated 2026-05-01.

Conditions:
Charcot-Marie-Tooth disease type 2. Also called: Charcot-Marie-Tooth type 2. Identifiers: Orphanet 64746, MedGen C0270914, MONDO:0018993.

Allele frequency attached by ClinVar (database versions not stated): gnomAD exomes below 0.00001; gnomAD 0.00001; TOPMed 0.00001.
gnomAD v4.1: 2 of 1,614,042 alleles (0.00012%); highest among the groups gnomAD compares: Admixed American, 0.0033%; no homozygotes.

Submissions (4):

CeGaT Center for Human Genetics Tuebingen
Classification: Uncertain significance. Last evaluated: 2026-05-01. Review status: criteria provided, single submitter. Criteria: CeGaT Center For Human Genetics Tuebingen Variant Classification Criteria Version 2. Collection method: clinical testing. Allele origin: germline. Affected: yes. Observed: 1 variant allele.
Comment: AARS1: PM2, BP4

Labcorp Genetics (formerly Invitae), Labcorp
Classification: Likely benign for Charcot-Marie-Tooth disease type 2. Last evaluated: 2025-09-03. Review status: criteria provided, single submitter. Criteria: Invitae Variant Classification Sherloc (09022015). Collection method: clinical testing. Allele origin: germline.

Revvity Omics, Revvity
Classification: Uncertain significance. Last evaluated: 2019-11-13. Review status: criteria provided, single submitter. Criteria: ACMG Guidelines, 2015. Collection method: clinical testing. Allele origin: germline.

GeneDx
Classification: Likely benign. Last evaluated: 2017-02-20. Review status: criteria provided, single submitter. Criteria: GeneDx Variant Classification (06012015). Collection method: clinical testing. Allele origin: germline. Affected: yes.
Comment: This variant is considered likely benign or benign based on one or more of the following criteria: it is a conservative change, it occurs at a poorly conserved position in the protein, it is predicted to be benign by multiple in silico algorithms, and/or has population frequency not consistent with disease.